The following is an entry in ClinVar:

NM_000233.4(LHCGR):c.537-1G>T

Genes: LHCGR (luteinizing hormone/choriogonadotropin receptor; minus strand), STON1-GTF2A1L (STON1-GTF2A1L readthrough; plus strand). Cytogenetic location: 2p16.3.
Variant type: single nucleotide variant.
Coding change: c.537-1G>T on transcript NM_000233.4 (MANE Select); the canonical splice acceptor site of the intron before coding-DNA position 537, G replaced by T.
Molecular consequence: splice acceptor variant. On other transcripts: intron variant (1).
Genome position (GRCh38, 1-based): chr2:48,714,055, C>A on the plus strand (G>T on the coding strand, the complement: LHCGR is on the minus strand). VCF-style: chr2-48714055-C-A. GRCh37 (hg19) VCF-style: chr2-48941194-C-A.
Other names: c.3441+42375C>A (NM_001198593.2).
Identifiers: ClinVar variation 996742 (VCV000996742.2), dbSNP rs1668121333, ClinGen allele CA346756984.

ClinVar aggregate classification (germline): Pathogenic (0 of 4 stars; one submission).

Conditions:
Leydig cell agenesis. Also called: LEYDIG CELL HYPOPLASIA WITH MALE PSEUDOHERMAPHRODITISM; LEYDIG CELL HYPOPLASIA, COMPLETE; HYPERGONADOTROPIC HYPOGONADISM, MALE, DUE TO LHCGR DEFECT; Leydig cell hypoplasia, type 1. Identifiers: MedGen C0266432, MONDO:0009384, OMIM 238320.

Submission:

Pediatric Endocrinology Clinic, Ege University School of Medicine
Classification: Pathogenic for Leydig cell agenesis. Last evaluated: 2018-11-01. Review status: no assertion criteria provided. Collection method: clinical testing. Allele origin: inherited. Inheritance: Autosomal recessive inheritance. Affected: yes. Observed: 1 variant allele, 1 homozygote.
Comment: External genitelia was Prader stage 5.